The following is an entry in ClinVar:

NM_001005242.3(PKP2):c.1788CAA[2] (p.Asn598del)

Gene: PKP2 (plakophilin 2; minus strand). Cytogenetic location: 12p11.21.
Variant type: Microsatellite.
Coding change: c.1788CAA[2] on transcript NM_001005242.3 (MANE Select); two copies in a row of the 3-base unit CAA starting at c.1788; the reference has three copies in a row; one copy, 3 bases deleted.
Protein change: p.Asn598del; deletes asparagine 598.
Molecular consequence: inframe deletion.
Genome position (GRCh38, 1-based): chr12:32,822,510-32,822,512, TTG deleted on the plus strand (CAA on the coding strand, the reverse complement: PKP2 is on the minus strand); deleting any 3 consecutive bases within chr12:32,822,510-32,822,519 gives the same sequence; the position shown is the placement nearest the transcript's 3' end. VCF-style (leftmost placement, unchanged base first): chr12-32822509-TTTG-T. GRCh37 (hg19) VCF-style: chr12-32975443-TTTG-T.
Other names: c.1926_1928delCAA (NM_004572.3); c.1920CAA[2], p.Asn642del (NM_004572.4); short protein forms N642del, N598del.
Identifiers: ClinVar variation 575807 (VCV000575807.28), dbSNP rs750084387, ClinGen allele CA031404.

ClinVar aggregate classification (germline): Uncertain significance. Review status: criteria provided, multiple submitters, no conflicts (2 of 4 stars). 4 submissions from 4 submitters: Uncertain significance (4). Last evaluated 2026-09-14.

Conditions:
Arrhythmogenic right ventricular cardiomyopathy (ARVD). Also called: Arrhythmogenic cardiomyopathy; Arrhythmogenic Right Ventricular Cardiomyopathy (ARVC); Arrhythmogenic right ventricular dysplasia; Cardiomyopathy, ARVC. Identifiers: Orphanet 247, MedGen C0349788, MeSH D019571, MONDO:0016587. Disease mechanism: loss of function. Inheritance: Various modes of inheritance.
Arrhythmogenic right ventricular dysplasia 9 (ARVD9). Also called: Arrhythmogenic Right Ventricular Dysplasia/Cardiomyopathy 9; ARRHYTHMOGENIC RIGHT VENTRICULAR DYSPLASIA, FAMILIAL, 9. Identifiers: MedGen C1836906, MONDO:0012180, OMIM 609040.
Cardiovascular phenotype. Identifiers: MedGen CN230736.

Submissions (4):

GeneDx
Classification: Uncertain significance. Last evaluated: 2026-09-14. Review status: criteria provided, single submitter. Criteria: GeneDx Variant Classification Process June 2021. Collection method: clinical testing. Allele origin: germline.
Comment: Identified in one patient with ARVC, reported as c.1925_1927delACA, p.N641del; however, additional clinical information was not provided (PMID: 22019812); Not observed at significant frequency in large population cohorts (gnomAD); In silico analysis suggests that this variant does not alter protein structure/function; In-frame deletion of 1 amino acid(s) in a non-repeat region; This variant is associated with the following publications: (PMID: 31402444, 22019812)

Labcorp Genetics (formerly Invitae), Labcorp
Classification: Uncertain significance for Arrhythmogenic right ventricular dysplasia 9. Last evaluated: 2025-11-10. Review status: criteria provided, single submitter. Criteria: Invitae Variant Classification Sherloc (09022015). Collection method: clinical testing. Allele origin: germline.
Comment: This variant, c.1926_1928del, results in the deletion of 1 amino acid(s) of the PKP2 protein (p.Asn642del), but otherwise preserves the integrity of the reading frame. This variant is present in population databases (rs750084387, gnomAD 0.02%). This variant has been observed in individual(s) with arrythmogenic right ventricular cardiomyopathy (ARVC) (PMID: 22019812). This variant is also known as p.N641del. ClinVar contains an entry for this variant (Variation ID: 575807). Experimental studies and prediction algorithms are not available or were not evaluated, and the functional significance of this variant is currently unknown. In summary, the available evidence is currently insufficient to determine the role of this variant in disease. Therefore, it has been classified as a Variant of Uncertain Significance.

Ambry Genetics
Classification: Uncertain significance for Cardiovascular phenotype. Last evaluated: 2025-10-30. Review status: criteria provided, single submitter. Criteria: Ambry Variant Classification Scheme 2023. Collection method: clinical testing. Allele origin: germline.
Comment: The c.1926_1928delCAA variant (also known as p.N642del) is located in coding exon 9 of the PKP2 gene. This variant results from an in-frame CAA deletion at nucleotide positions 1926 to 1928. This results in the in-frame deletion of an asparagine at codon 642. This variant (also referred to as p.N641del) has been detected in an individual with sudden death and left ventricular findings on autopsy who was reported to have arrhythmogenic right ventricular cardiomyopathy; however, details were limited (Zhang M et al. Circ J, 2012 Oct;76:189-94). This amino acid position is not well conserved in available vertebrate species. In addition, this alteration is predicted to be neutral by in silico analysis (Choi Y et al. PLoS ONE. 2012; 7(10):e46688). Since supporting evidence is limited at this time, the clinical significance of this alteration remains unclear.

All of Us Research Program, National Institutes of Health
Classification: Uncertain significance for Arrhythmogenic right ventricular cardiomyopathy. Last evaluated: 2024-01-11. Review status: criteria provided, single submitter. Criteria: ACMG Guidelines, 2015. Collection method: clinical testing. Allele origin: germline. Inheritance: Autosomal dominant inheritance. Observed: 1 variant allele, 1 heterozygote.
Comment: This study involves interpretation of variants in research participants for the purpose of population health screening. Participant phenotype was not available at the time of variant classification. Additional details can be found in publication PMID: 35346344, PMCID: PMC8962531

Literature cited by the submitters: PubMed 22019812 (cited by Labcorp Genetics (formerly Invitae), Labcorp and Ambry Genetics).